The following is an entry in ClinVar:

NM_001379291.1(BRD4):c.1917_1923delinsCCTGAAGAATTCCAA (p.Arg640fs)

Gene: BRD4 (bromodomain containing 4; minus strand). Cytogenetic location: 19p13.12.
Variant type: Indel.
Coding change: c.1917_1923delinsCCTGAAGAATTCCAA on transcript NM_001379291.1 (MANE Select); coding-DNA positions 1917 to 1923, ACGGGAG replaced by CCTGAAGAATTCCAA.
Protein change: p.Arg640fs; shifts the reading frame from arginine 640.
Molecular consequence: frameshift variant.
Genome position (GRCh38, 1-based): chr19:15,255,421-15,255,427, CTCCCGT replaced by TTGGAATTCTTCAGG on the plus strand (ACGGGAG replaced by CCTGAAGAATTCCAA on the coding strand, the reverse complement: BRD4 is on the minus strand). VCF-style: chr19-15255421-CTCCCGT-TTGGAATTCTTCAGG. GRCh37 (hg19) VCF-style: chr19-15366232-CTCCCGT-TTGGAATTCTTCAGG.
Other names: c.1917_1923delinsCCTGAAGAATTCCAA, p.Arg640fs (NM_001330384.2, NM_001379292.1, NM_014299.3 and 1 more transcripts); short protein forms R640fs.
Identifiers: ClinVar variation 1305258 (VCV001305258.2), dbSNP rs2145570218, ClinGen allele CA2573054736.

ClinVar aggregate classification (germline): Uncertain significance (1 of 4 stars; one submission).

Submission:

GeneDx
Classification: Uncertain significance. Last evaluated: 2019-04-14. Review status: criteria provided, single submitter. Criteria: GeneDx Variant Classification Process June 2021. Collection method: clinical testing. Allele origin: germline. Affected: yes.
Comment: Variants in candidate genes are classified as variants of uncertain significance in accordance with ACMG guidelines (Richards et al., 2015); Frameshift variant predicted to result in protein truncation in a gene for which loss-of-function is not a known mechanism of disease; Has not been previously published as pathogenic or benign to our knowledge; Not observed in large population cohorts (Lek et al., 2016)